The following is an entry in ClinVar:

NM_022575.4(VPS16):c.1477-2A>C

Gene: VPS16 (VPS16 core subunit of CORVET and HOPS complexes; plus strand). Cytogenetic location: 20p13.
Variant type: single nucleotide variant.
Coding change: c.1477-2A>C on transcript NM_022575.4 (MANE Select); the canonical splice acceptor site of the intron before coding-DNA position 1477, A replaced by C.
Molecular consequence: splice acceptor variant.
Genome position (GRCh38, 1-based): chr20:2,863,947, A>C. VCF-style: chr20-2863947-A-C. GRCh37 (hg19) VCF-style: chr20-2844593-A-C.
Other names: c.1045-2A>C (NM_080413.3).
Identifiers: ClinVar variation 4857431 (VCV004857431.1).

ClinVar aggregate classification (germline): Uncertain significance (1 of 4 stars; one submission).

Conditions:
Dystonia 30. Identifiers: MedGen C5543312, MONDO:0025691, OMIM 619291.

Submission:

Institute of Human Genetics, University of Leipzig Medical Center
Classification: Uncertain significance for Dystonia 30. Last evaluated: 2026-05-08. Review status: criteria provided, single submitter. Criteria: ACMG Guidelines, 2015. Collection method: clinical testing. Allele origin: unknown. Inheritance: Autosomal dominant inheritance. Affected: yes.
Comment: Criteria applied: PVS1_MOD,PM2